The following is an entry in ClinVar:

NM_005217.4(DEFA3):c.114G>A (p.Ala38=)

Gene: DEFA3 (defensin alpha 3; minus strand). Cytogenetic location: 8p23.1.
Variant type: single nucleotide variant.
Coding change: c.114G>A on transcript NM_005217.4 (MANE Select); coding-DNA position 114, G replaced by A.
Protein change: p.Ala38=; no amino-acid change (alanine 38 retained).
Molecular consequence: synonymous variant.
Genome position (GRCh38, 1-based): chr8:7,016,737, C>T on the plus strand (G>A on the coding strand, the complement: DEFA3 is on the minus strand). VCF-style: chr8-7016737-C-T. GRCh37 (hg19) VCF-style: chr8-6874259-C-T.
Identifiers: ClinVar variation 2658353 (VCV002658353.24), dbSNP rs559485648, ClinGen allele CA4613289.
Genomic context (GRCh38, chr8:7,016,737, plus strand): 5'-TGGATGCTTTGGAGCCAAGCTTTCGTCCCATGCAAGGGAAACAACCACTTCTGGGATGTC[C>T]GCTGCAATCTGCTCCGGGGCTGCAGCAACCTCATCAGCTCTTGCCTGGAGTGGCTCAGCC-3'
Protein context (NP_005208.1, residues 28-48): EVAAAPEQIA[Ala38=]DIPEVVVSLA

ClinVar aggregate classification (germline): Likely benign (1 of 4 stars; one submission).

Allele frequency attached by ClinVar (database versions not stated): ExAC 0.00034; 1000 Genomes Project 0.00040; 1000 Genomes Project 30x 0.00062.

Submission:

CeGaT Center for Human Genetics Tuebingen
Classification: Likely benign. Last evaluated: 2023-02-01. Review status: criteria provided, single submitter. Criteria: CeGaT Center For Human Genetics Tuebingen Variant Classification Criteria Version 2. Collection method: clinical testing. Allele origin: germline. Affected: yes. Observed: 1 variant allele.
Comment: DEFA3: BP4, BP7